The following is an entry in ClinVar:

NM_194454.3(KRIT1):c.1731-2A>G

Gene: KRIT1 (KRIT1 ankyrin repeat containing; minus strand). Cytogenetic location: 7q21.2.
Variant type: single nucleotide variant.
Coding change: c.1731-2A>G on transcript NM_194454.3 (MANE Select); the canonical splice acceptor site of the intron before coding-DNA position 1731, A replaced by G.
Molecular consequence: splice acceptor variant.
Genome position (GRCh38, 1-based): chr7:92,213,981, T>C on the plus strand (A>G on the coding strand, the complement: KRIT1 is on the minus strand). VCF-style: chr7-92213981-T-C. GRCh37 (hg19) VCF-style: chr7-91843295-T-C.
Other names: c.1731-2A>G (NM_001350672.1, NM_001350676.1, NM_001350673.1 and 26 more transcripts); c.1587-2A>G (NM_001350669.1, NM_001013406.2, NM_001350670.1); c.1017-2A>G (NM_001350671.1).
Identifiers: ClinVar variation 265482 (VCV000265482.7), dbSNP rs886039571, ClinGen allele CA10588437.

ClinVar aggregate classification (germline): Pathogenic. Review status: criteria provided, multiple submitters, no conflicts (2 of 4 stars). 4 submissions from 4 submitters: Pathogenic (4). Last evaluated 2022-01-03.

Conditions:
KRIT1-related disorder. Also called: KRIT1-related disorders; KRIT1-related condition.
Cerebral cavernous malformation (CCM). Also called: Cerebral cavernous hemangioma (type); Cerebral cavernous malformations; Cavernous Hemangioma of Brain; CAVERNOUS ANGIOMA, FAMILIAL; CAVERNOUS ANGIOMATOUS MALFORMATIONS; CEREBRAL CAPILLARY MALFORMATIONS. Identifiers: Orphanet 221061, MedGen C2919945, MONDO:0000820, OMIM 116860, HP:0033522.

Submissions (4):

3billion
Classification: Pathogenic for Cerebral cavernous malformation. Last evaluated: 2022-01-03. Review status: criteria provided, single submitter. Criteria: ACMG Guidelines, 2015. Collection method: clinical testing. Allele origin: germline. Affected: yes. Observed: 1 heterozygote.
Comment: The variant has been reported to be associated with KRIT1 related disorder (ClinVar ID: VCV000265482). Canonical splice site: predicted to alter splicing and result in a loss or disruption of normal protein function through protein truncation. Multiple pathogenic variants are reported in the predicted truncated region (PVS1_VS). It is not observed in the gnomAD v2.1.1 dataset (PM2_M).Therefore, this variant is classified as pathogenic according to the recommendation of ACMG/AMP guideline.

Blueprint Genetics
Classification: Pathogenic for KRIT1-related disorders. Last evaluated: 2021-01-27. Review status: criteria provided, single submitter. Criteria: ACMG Guidelines, 2015. Collection method: clinical testing. Allele origin: germline. Affected: yes. Observed: 1 variant allele.

GeneDx
Classification: Pathogenic. Last evaluated: 2019-08-07. Review status: criteria provided, single submitter. Criteria: GeneDx Variant Classification Process June 2021. Collection method: clinical testing. Allele origin: germline. Affected: yes.
Comment: Canonical splice site variant in a gene for which loss-of-function is a known mechanism of disease; Not observed in large population cohorts (Lek et al., 2016); This variant is associated with the following publications: (PMID: 10545614, 31589614)

Clinical Genetics Service, Universitary Hospital 12 de Octubre
Classification: Pathogenic for Cerebral cavernous malformation. Review status: criteria provided, single submitter. Criteria: ACMG Guidelines, 2015. Collection method: clinical testing. Allele origin: germline. Affected: yes.